The following is an entry in ClinVar:

ClinVar aggregate classification (germline): Uncertain significance (1 of 4 stars; one submission).

Conditions:
Charcot-Marie-Tooth disease type 4. Also called: Charcot-Marie-Tooth, Type 4; Charcot-Marie-Tooth disease, type IV. Identifiers: Orphanet 64749, MedGen C4082197, MONDO:0018995.

gnomAD v4.1: 1 of 1,614,142 alleles (0.000062%); highest among the groups gnomAD compares: South Asian, 0.0011%; no homozygotes.

Submission:

Labcorp Genetics (formerly Invitae), Labcorp
Classification: Uncertain significance for Charcot-Marie-Tooth disease type 4. Last evaluated: 2023-08-04. Review status: criteria provided, single submitter. Criteria: Invitae Variant Classification Sherloc (09022015). Collection method: clinical testing. Allele origin: germline.
Comment: This sequence change replaces threonine, which is neutral and polar, with alanine, which is neutral and non-polar, at codon 481 of the SBF2 protein (p.Thr481Ala). This variant is not present in population databases (gnomAD no frequency). This variant has not been reported in the literature in individuals affected with SBF2-related conditions. In summary, the available evidence is currently insufficient to determine the role of this variant in disease. Therefore, it has been classified as a Variant of Uncertain Significance. Advanced modeling of protein sequence and biophysical properties (such as structural, functional, and spatial information, amino acid conservation, physicochemical variation, residue mobility, and thermodynamic stability) performed at Invitae indicates that this missense variant is not expected to disrupt SBF2 protein function. ClinVar contains an entry for this variant (Variation ID: 2173076).

NM_030962.4(SBF2):c.1441A>G (p.Thr481Ala)

Gene: SBF2 (SET binding factor 2; minus strand). Cytogenetic location: 11p15.4.
Variant type: single nucleotide variant.
Coding change: c.1441A>G on transcript NM_030962.4 (MANE Select); coding-DNA position 1441, A replaced by G.
Protein change: p.Thr481Ala; replaces threonine 481 with alanine.
Molecular consequence: missense variant.
Genome position (GRCh38, 1-based): chr11:9,968,500, T>C on the plus strand (A>G on the coding strand, the complement: SBF2 is on the minus strand). VCF-style: chr11-9968500-T-C. GRCh37 (hg19) VCF-style: chr11-9990047-T-C.
Other names: c.1441A>G, p.Thr481Ala (NM_001386339.1); c.1312A>G, p.Thr438Ala (NM_001386342.1); short protein forms T438A, T481A.
Identifiers: ClinVar variation 2173076 (VCV002173076.4), dbSNP rs2495919346, ClinGen allele CA379630485.